The following is an entry in ClinVar:

NM_005902.4(SMAD3):c.956A>G (p.Asn319Ser)

Gene: SMAD3 (SMAD family member 3; plus strand). Cytogenetic location: 15q22.33.
Variant type: single nucleotide variant.
Coding change: c.956A>G on transcript NM_005902.4 (MANE Select); coding-DNA position 956, A replaced by G.
Protein change: p.Asn319Ser; replaces asparagine 319 with serine.
Molecular consequence: missense variant.
Genome position (GRCh38, 1-based): chr15:67,184,811, A>G. VCF-style: chr15-67184811-A-G. GRCh37 (hg19) VCF-style: chr15-67477149-A-G.
Other names: c.641A>G, p.Asn214Ser (NM_001145102.2); c.824A>G, p.Asn275Ser (NM_001145103.2); c.371A>G, p.Asn124Ser (NM_001145104.2); short protein forms N319S, N124S, N214S, N275S.
Identifiers: ClinVar variation 393069 (VCV000393069.2), dbSNP rs1057524771, ClinGen allele CA16607848.

ClinVar aggregate classification (germline): Uncertain significance (1 of 4 stars; one submission).

Submission:

GeneDx
Classification: Uncertain significance. Last evaluated: 2017-01-18. Review status: criteria provided, single submitter. Criteria: GeneDx Variant Classification (06012015). Collection method: clinical testing. Allele origin: germline. Affected: yes.
Comment: A variant of uncertain significance has been identified in the SMAD3 gene. The N319S variant has not been published as a pathogenic variant, nor has it been reported as a benign variant to our knowledge. This variant was not observed in approximately 6,500 individuals of European and African American ancestry in the NHLBI Exome Sequencing Project, indicating it is not a common benign variant in these populations. This substitution occurs at a position that is conserved across species and in silico analysis predicts this variant is probably damaging to the protein structure/function. Nevertheless, the N319S variant is a conservative amino acid substitution, which is not likely to impact secondary protein structure as these residues share similar properties.